The following is an entry in ClinVar:

NM_001018113.3(FANCB):c.2337A>C (p.Lys779Asn)

Gene: FANCB (FA complementation group B; minus strand). Cytogenetic location: Xp22.2.
Variant type: single nucleotide variant.
Coding change: c.2337A>C on transcript NM_001018113.3 (MANE Select); coding-DNA position 2337, A replaced by C.
Protein change: p.Lys779Asn; replaces lysine 779 with asparagine.
Molecular consequence: missense variant.
Genome position (GRCh38, 1-based): chrX:14,843,810, T>G on the plus strand (A>C on the coding strand, the complement: FANCB is on the minus strand). VCF-style: chrX-14843810-T-G. GRCh37 (hg19) VCF-style: chrX-14861932-T-G.
Other names: c.2337A>C, p.Lys779Asn (NM_001324162.2, NM_001410764.1, NM_152633.4); short protein forms K779N.
Identifiers: ClinVar variation 4808721 (VCV004808721.1).

ClinVar aggregate classification (germline): Uncertain significance (1 of 4 stars; one submission).

Conditions:
Fanconi anemia (FA). Also called: Fanconi's anemia. Identifiers: Orphanet 84, MedGen C0015625, MeSH D005199, MONDO:0019391.

Submission:

Labcorp Genetics (formerly Invitae), Labcorp
Classification: Uncertain significance for Fanconi anemia. Last evaluated: 2025-05-06. Review status: criteria provided, single submitter. Criteria: Invitae Variant Classification Sherloc (09022015). Collection method: clinical testing. Allele origin: germline.
Comment: This sequence change replaces lysine, which is basic and polar, with asparagine, which is neutral and polar, at codon 779 of the FANCB protein (p.Lys779Asn). This variant is not present in population databases (gnomAD no frequency). This variant has not been reported in the literature in individuals affected with FANCB-related conditions. Invitae Evidence Modeling of protein sequence and biophysical properties (such as structural, functional, and spatial information, amino acid conservation, physicochemical variation, residue mobility, and thermodynamic stability) indicates that this missense variant is not expected to disrupt FANCB protein function with a negative predictive value of 80%. In summary, the available evidence is currently insufficient to determine the role of this variant in disease. Therefore, it has been classified as a Variant of Uncertain Significance.